The following is an entry in ClinVar:

NM_174936.4(PCSK9):c.86G>A (p.Arg29His)

Gene: PCSK9 (proprotein convertase subtilisin/kexin type 9; plus strand). Cytogenetic location: 1p32.3.
Variant type: single nucleotide variant.
Coding change: c.86G>A on transcript NM_174936.4 (MANE Select); coding-DNA position 86, G replaced by A.
Protein change: p.Arg29His; replaces arginine 29 with histidine.
Molecular consequence: missense variant.
Genome position (GRCh38, 1-based): chr1:55,039,923, G>A. VCF-style: chr1-55039923-G-A. GRCh37 (hg19) VCF-style: chr1-55505596-G-A.
Other names: c.86G>A, p.Arg29His (NM_001407240.1, NM_001407241.1, NM_001407242.1 and 4 more transcripts); c.-649G>A (NM_001407246.1); short protein forms R29H.
Identifiers: ClinVar variation 2079911 (VCV002079911.6), dbSNP rs1160058809, ClinGen allele CA340482741.
Genomic context (GRCh38, chr1:55,039,923, plus strand): 5'-CCTGGTGGCCGCTGCCACTGCTGCTGCTGCTGCTGCTGCTCCTGGGTCCCGCGGGCGCCC[G>A]TGCGCAGGAGGACGAGGACGGCGACTACGAGGAGCTGGTGCTAGCCTTGCGTTCCGAGGA-3'
Protein context (NP_777596.2, residues 19-39): LLLLLGPAGA[Arg29His]AQEDEDGDYE

ClinVar aggregate classification (germline): Uncertain significance. Review status: criteria provided, multiple submitters, no conflicts (2 of 4 stars). 5 submissions from 5 submitters: Uncertain significance (5). Last evaluated 2025-03-27.

Conditions:
Hypercholesterolemia, autosomal dominant, 3 (FHCL3). Also called: Familial Hypercholesterolemia, Autosomal Dominant, 3; Familial hypercholesterolemia 3; PCSK9-Related Familial Hypercholesterolemia, Autosomal Dominant. Identifiers: MedGen C1863551, MONDO:0011369, OMIM 603776.
Cardiovascular phenotype. Identifiers: MedGen CN230736.

Allele frequency attached by ClinVar (database versions not stated): gnomAD exomes 0.00003.

Submissions (5):

ARUP Laboratories, Molecular Genetics and Genomics, ARUP Laboratories
Classification: Uncertain significance. Last evaluated: 2025-03-27. Review status: criteria provided, single submitter. Criteria: ARUP Molecular Germline Variant Investigation Process 2024. Collection method: clinical testing. Allele origin: germline.
Comment: The PCSK9 c.86G>A; p.Arg29His variant (rs1160058809), to our knowledge, is not reported in the medical literature but is reported in ClinVar (Variation ID: 2079911). This variant is found in the general population with an overall allele frequency of 0.002% (4/209,778 alleles) in the Genome Aggregation Database (v2.1.1). Computational analyses predict that this variant is neutral (REVEL: 0.11). Due to limited information, the clinical significance of this variant is uncertain at this time.

Ambry Genetics
Classification: Uncertain significance for Cardiovascular phenotype. Last evaluated: 2024-01-31. Review status: criteria provided, single submitter. Criteria: Ambry Variant Classification Scheme 2023. Collection method: clinical testing. Allele origin: germline.
Comment: The p.R29H variant (also known as c.86G>A), located in coding exon 1 of the PCSK9 gene, results from a G to A substitution at nucleotide position 86. The arginine at codon 29 is replaced by histidine, an amino acid with highly similar properties. This amino acid position is conserved. In addition, this alteration is predicted to be tolerated by in silico analysis. Based on the available evidence, the clinical significance of this alteration remains unclear.

All of Us Research Program, National Institutes of Health
Classification: Uncertain significance for Hypercholesterolemia, autosomal dominant, 3. Last evaluated: 2023-08-15. Review status: criteria provided, single submitter. Criteria: ACMG Guidelines, 2015. Collection method: clinical testing. Allele origin: germline. Inheritance: Autosomal dominant inheritance. Observed: 1 variant allele, 1 heterozygote.
Comment: This study involves interpretation of variants in research participants for the purpose of population health screening. Participant phenotype was not available at the time of variant classification. Additional details can be found in publication PMID: 35346344, PMCID: PMC8962531

Labcorp Genetics (formerly Invitae), Labcorp
Classification: Uncertain significance for Hypercholesterolemia, autosomal dominant, 3. Last evaluated: 2021-12-25. Review status: criteria provided, single submitter. Criteria: Invitae Variant Classification Sherloc (09022015). Collection method: clinical testing. Allele origin: germline.
Comment: In summary, the available evidence is currently insufficient to determine the role of this variant in disease. Therefore, it has been classified as a Variant of Uncertain Significance. Advanced modeling of protein sequence and biophysical properties (such as structural, functional, and spatial information, amino acid conservation, physicochemical variation, residue mobility, and thermodynamic stability) performed at Invitae indicates that this missense variant is not expected to disrupt PCSK9 protein function. This variant has not been reported in the literature in individuals affected with PCSK9-related conditions. The frequency data for this variant in the population databases is considered unreliable, as metrics indicate poor data quality at this position in the gnomAD database. This sequence change replaces arginine, which is basic and polar, with histidine, which is basic and polar, at codon 29 of the PCSK9 protein (p.Arg29His).

Department of Pathology and Laboratory Medicine, Sinai Health System
Classification: Uncertain significance for Hypercholesterolemia, autosomal dominant, 3. Last evaluated: 2021-10-26. Review status: criteria provided, single submitter. Criteria: ACMG Guidelines, 2015. Collection method: research. Allele origin: germline.